The following is an entry in ClinVar:

NM_033131.4(WNT3A):c.289A>G (p.Ile97Val)

Gene: WNT3A (Wnt family member 3A; plus strand). Cytogenetic location: 1q42.13.
Variant type: single nucleotide variant.
Coding change: c.289A>G on transcript NM_033131.4 (MANE Select); coding-DNA position 289, A replaced by G.
Protein change: p.Ile97Val; replaces isoleucine 97 with valine.
Molecular consequence: missense variant.
Genome position (GRCh38, 1-based): chr1:228,022,884, A>G. VCF-style: chr1-228022884-A-G. GRCh37 (hg19) VCF-style: chr1-228210585-A-G.
Other names: c.289A>G (NM_033131.3); short protein forms I97V.
Identifiers: ClinVar variation 2777963 (VCV002777963.4), dbSNP rs776215625, ClinGen allele CA1429403.

ClinVar aggregate classification (germline): Uncertain significance. Review status: criteria provided, multiple submitters, no conflicts (2 of 4 stars). 2 submissions from 2 submitters: Uncertain significance (2). Last evaluated 2025-11-05.

Allele frequency attached by ClinVar (database versions not stated): TOPMed 0.00001; gnomAD exomes 0.00002; gnomAD 0.00011; ExAC 0.00013.
gnomAD v4.1: 48 of 1,611,766 alleles (0.003%); highest among the groups gnomAD compares: Non-Finnish European, 0.0031%; no homozygotes.

Submissions (2):

Ambry Genetics
Classification: Uncertain significance. Last evaluated: 2025-11-05. Review status: criteria provided, single submitter. Criteria: Ambry Variant Classification Scheme 2023. Collection method: clinical testing. Allele origin: germline.

Labcorp Genetics (formerly Invitae), Labcorp
Classification: Uncertain significance. Last evaluated: 2024-06-05. Review status: criteria provided, single submitter. Criteria: Invitae Variant Classification Sherloc (09022015). Collection method: clinical testing. Allele origin: germline.
Comment: This sequence change replaces isoleucine, which is neutral and non-polar, with valine, which is neutral and non-polar, at codon 97 of the WNT3A protein (p.Ile97Val). This variant is present in population databases (rs776215625, gnomAD 0.02%). This variant has not been reported in the literature in individuals affected with WNT3A-related conditions. Advanced modeling of protein sequence and biophysical properties (such as structural, functional, and spatial information, amino acid conservation, physicochemical variation, residue mobility, and thermodynamic stability) performed at Invitae indicates that this missense variant is not expected to disrupt WNT3A protein function with a negative predictive value of 80%. In summary, the available evidence is currently insufficient to determine the role of this variant in disease. Therefore, it has been classified as a Variant of Uncertain Significance.